The following is an entry in ClinVar:

NM_007373.4(SHOC2):c.1300A>G (p.Asn434Asp)

Gene: SHOC2 (SHOC2 leucine rich repeat scaffold protein; plus strand). Cytogenetic location: 10q25.2.
Variant type: single nucleotide variant.
Coding change: c.1300A>G on transcript NM_007373.4 (MANE Select); coding-DNA position 1300, A replaced by G.
Protein change: p.Asn434Asp; replaces asparagine 434 with aspartic acid.
Molecular consequence: missense variant. On other transcripts: non-coding transcript variant (1).
Genome position (GRCh38, 1-based): chr10:111,009,263, A>G. VCF-style: chr10-111009263-A-G. GRCh37 (hg19) VCF-style: chr10-112769021-A-G.
Other names: c.1162A>G, p.Asn388Asp (NM_001269039.3); c.1300A>G, p.Asn434Asp (NM_001324336.2, NM_001324337.2); short protein forms N388D, N434D.
Identifiers: ClinVar variation 1721030 (VCV001721030.7), dbSNP rs2493958312, ClinGen allele CA378523885.

ClinVar aggregate classification (germline): Uncertain significance. Review status: criteria provided, multiple submitters, no conflicts (2 of 4 stars). 2 submissions from 2 submitters: Uncertain significance (2). Last evaluated 2025-10-29.

Conditions:
Noonan syndrome-like disorder with loose anagen hair 1 (NSLH1). Also called: TOSTI SYNDROME; MAZZANTI SYNDROME. Identifiers: Orphanet 2701, MedGen C4478716, MONDO:0054637, OMIM 607721.
RASopathy. Also called: rasopathies; Noonan spectrum disorder. Identifiers: Orphanet 536391, MedGen C5555857, MONDO:0021060.

Submissions (2):

Dasa
Classification: Uncertain significance for Noonan syndrome-like disorder with loose anagen hair 1. Last evaluated: 2025-10-29. Review status: criteria provided, single submitter. Criteria: DASA Assertion Criteria. Collection method: clinical testing. Allele origin: germline.
Comment: NM_007373.4(SHOC2):c.1300A>G (p.Asn434Asp) is a missense variant that results in the substitution of asparagine with aspartic acid. This variant is rare in population databases. The currently available literature and clinical evidence are not sufficient to establish a definitive association between this variant and the reported condition. Therefore, this variant is classified as a variant of uncertain significance.

Labcorp Genetics (formerly Invitae), Labcorp
Classification: Uncertain significance for RASopathy. Last evaluated: 2022-10-05. Review status: criteria provided, single submitter. Criteria: Invitae Variant Classification Sherloc (09022015). Collection method: clinical testing. Allele origin: germline.
Comment: In summary, the available evidence is currently insufficient to determine the role of this variant in disease. Therefore, it has been classified as a Variant of Uncertain Significance. Algorithms developed to predict the effect of sequence changes on RNA splicing suggest that this variant may create or strengthen a splice site. Advanced modeling of protein sequence and biophysical properties (such as structural, functional, and spatial information, amino acid conservation, physicochemical variation, residue mobility, and thermodynamic stability) has been performed at Invitae for this missense variant, however the output from this modeling did not meet the statistical confidence thresholds required to predict the impact of this variant on SHOC2 protein function. This variant has not been reported in the literature in individuals affected with SHOC2-related conditions. This variant is not present in population databases (gnomAD no frequency). This sequence change replaces asparagine, which is neutral and polar, with aspartic acid, which is acidic and polar, at codon 434 of the SHOC2 protein (p.Asn434Asp).